The following is an entry in ClinVar:

ClinVar aggregate classification (germline): Uncertain significance. Review status: criteria provided, multiple submitters, no conflicts (2 of 4 stars). 2 submissions from 2 submitters: Uncertain significance (2). Last evaluated 2025-05-13.

Conditions:
Hereditary cancer-predisposing syndrome. Also called: Neoplastic Syndromes, Hereditary; Hereditary Cancer Syndrome; Hereditary neoplastic syndrome; Tumor predisposition. Identifiers: Orphanet 140162, MedGen C0027672, MeSH D009386, MONDO:0015356.
Pheochromocytoma/paraganglioma syndrome 4. Also called: SDHB-Related Hereditary Paraganglioma-Pheochromocytoma Syndrome (Paragangliomas 4); SDHB-Related Hereditary Paraganglioma-Pheochromocytoma Syndrome; Paragangliomas 4; CAROTID BODY TUMORS AND MULTIPLE EXTRAADRENAL PHEOCHROMOCYTOMAS; PARAGANGLIOMA, FAMILIAL MALIGNANT; PARAGANGLIOMAS, HEREDITARY EXTRAADRENAL. Identifiers: Orphanet 29072, MedGen C1861848, MONDO:0007273, OMIM 115310.
Gastrointestinal stromal tumor. Also called: Gastrointestinal stromal tumor, somatic; Gastrointestinal stroma tumor. Identifiers: Orphanet 44890, MedGen C0238198, MeSH D046152, MONDO:0011719, OMIM 606764, HP:0100723.
Pheochromocytoma. Also called: MAX-Related Hereditary Paraganglioma-Pheochromocytoma Syndrome. Identifiers: Orphanet 29072, MedGen C0031511, MONDO:0008233, OMIM 171300, HP:0002666.

Submissions (2):

Ambry Genetics
Classification: Uncertain significance for Hereditary cancer-predisposing syndrome. Last evaluated: 2025-05-13. Review status: criteria provided, single submitter. Criteria: Ambry Variant Classification Scheme 2023. Collection method: clinical testing. Allele origin: germline.
Comment: The p.A32T variant (also known as c.94G>A), located in coding exon 2 of the SDHB gene, results from a G to A substitution at nucleotide position 94. The alanine at codon 32 is replaced by threonine, an amino acid with similar properties. This amino acid position is highly conserved in available vertebrate species. In addition, the in silico prediction for this alteration is inconclusive. Based on the available evidence, the clinical significance of this variant remains unclear.

Labcorp Genetics (formerly Invitae), Labcorp
Classification: Uncertain significance for Gastrointestinal stromal tumor; Pheochromocytoma/paraganglioma syndrome 4; Pheochromocytoma. Last evaluated: 2025-04-09. Review status: criteria provided, single submitter. Criteria: Invitae Variant Classification Sherloc (09022015). Collection method: clinical testing. Allele origin: germline.
Comment: This sequence change replaces alanine, which is neutral and non-polar, with threonine, which is neutral and polar, at codon 32 of the SDHB protein (p.Ala32Thr). This variant is not present in population databases (gnomAD no frequency). This variant has not been reported in the literature in individuals affected with SDHB-related conditions. ClinVar contains an entry for this variant (Variation ID: 823299). Invitae Evidence Modeling of protein sequence and biophysical properties (such as structural, functional, and spatial information, amino acid conservation, physicochemical variation, residue mobility, and thermodynamic stability) indicates that this missense variant is not expected to disrupt SDHB protein function with a negative predictive value of 95%. In summary, the available evidence is currently insufficient to determine the role of this variant in disease. Therefore, it has been classified as a Variant of Uncertain Significance.

NM_003000.3(SDHB):c.94G>A (p.Ala32Thr)

Gene: SDHB (succinate dehydrogenase complex iron sulfur subunit B; minus strand). Cytogenetic location: 1p36.13.
Variant type: single nucleotide variant.
Coding change: c.94G>A on transcript NM_003000.3 (MANE Select); coding-DNA position 94, G replaced by A.
Protein change: p.Ala32Thr; replaces alanine 32 with threonine.
Molecular consequence: missense variant.
Genome position (GRCh38, 1-based): chr1:17,044,867, C>T on the plus strand (G>A on the coding strand, the complement: SDHB is on the minus strand). VCF-style: chr1-17044867-C-T. GRCh37 (hg19) VCF-style: chr1-17371362-C-T.
Other names: short protein forms A32T.
Identifiers: ClinVar variation 823299 (VCV000823299.10), dbSNP rs1570958136, ClinGen allele CA338228349.
Genomic context (GRCh38, chr1:17,044,867, plus strand): 5'-CCTTGTCTGGGTCCCATCGATAGATGGCAAATTTCTTGATACGGGGAGCTGTGGCTGCAG[C>T]TGTCTGGGCTCCTCGGGAGGCCTGAAATTTTTTAAAGTTCACAAAAAGGAAAAAAAAATT-3'
Protein context (NP_002991.2, residues 22-42): CLQASRGAQT[Ala32Thr]AATAPRIKKF